The following is an entry in ClinVar:

ClinVar aggregate classification (germline): Uncertain significance (1 of 4 stars; one submission).

Submission:

Labcorp Genetics (formerly Invitae), Labcorp
Classification: Uncertain significance. Last evaluated: 2021-12-02. Review status: criteria provided, single submitter. Criteria: Invitae Variant Classification Sherloc (09022015). Collection method: clinical testing. Allele origin: germline.
Comment: In summary, the available evidence is currently insufficient to determine the role of this variant in disease. Therefore, it has been classified as a Variant of Uncertain Significance. Algorithms developed to predict the effect of sequence changes on RNA splicing suggest that this variant may create or strengthen a splice site. Algorithms developed to predict the effect of missense changes on protein structure and function (SIFT, PolyPhen-2, Align-GVGD) all suggest that this variant is likely to be tolerated. This variant has not been reported in the literature in individuals affected with MTFMT-related conditions. The frequency data for this variant in the population databases is considered unreliable, as metrics indicate poor data quality at this position in the gnomAD database. This sequence change replaces alanine, which is neutral and non-polar, with valine, which is neutral and non-polar, at codon 65 of the MTFMT protein (p.Ala65Val).

NM_139242.4(MTFMT):c.194C>T (p.Ala65Val)

Gene: MTFMT (mitochondrial methionyl-tRNA formyltransferase; minus strand). Cytogenetic location: 15q22.31.
Variant type: single nucleotide variant.
Coding change: c.194C>T on transcript NM_139242.4 (MANE Select); coding-DNA position 194, C replaced by T.
Protein change: p.Ala65Val; replaces alanine 65 with valine.
Molecular consequence: missense variant.
Genome position (GRCh38, 1-based): chr15:65,029,420, G>A on the plus strand (C>T on the coding strand, the complement: MTFMT is on the minus strand). VCF-style: chr15-65029420-G-A. GRCh37 (hg19) VCF-style: chr15-65321758-G-A.
Other names: short protein forms A65V.
Identifiers: ClinVar variation 1351160 (VCV001351160.6), dbSNP rs1264914031, ClinGen allele CA392862017.